The following is an entry in ClinVar:

ClinVar aggregate classification (germline): Uncertain significance (1 of 4 stars; one submission).

Conditions:
Mucopolysaccharidosis, MPS-II (MPS2). Also called: Hunter Syndrome; IDURONATE 2-SULFATASE DEFICIENCY; Mucopolysaccharidosis Type II; Mucopolysaccharidosis type 2; Attenuated MPS (subtype; formerly known as mild MPS II); Severe MPS II. Identifiers: Orphanet 580, Orphanet 79388, MedGen C0026705, MONDO:0010674, OMIM 309900.

Submission:

Laboratory of Diagnosis and Therapy of Lysosomal Disorders, University of Padova
Classification: Uncertain significance for Mucopolysaccharidosis, MPS-II. Last evaluated: 2024-06-07. Review status: criteria provided, single submitter. Criteria: ACMG Guidelines, 2015. Collection method: literature only. Allele origin: germline. Affected: yes. Observed: 4 variant alleles.
Comment: Absent from controls (or at low frequency) in gnomAD database (PM2_Moderate), Missense variant in a gene with a low rate of benign missense variation (PP2_Supporting), Multiple lines of computational evidence support a deleterious effect (PP3_Supporting)

Classification method: ACMG Guidelines [PMID:25741868] with modifications

Literature cited by the submitters: PubMed 30409495; PubMed 29801497; PubMed 36077388; PubMed 35225932; PubMed 31877959.

NM_000202.8(IDS):c.311A>T (p.Asp104Val)

Gene: IDS (iduronate 2-sulfatase; minus strand). Cytogenetic location: Xq28.
Variant type: single nucleotide variant.
Coding change: c.311A>T on transcript NM_000202.8 (MANE Select); coding-DNA position 311, A replaced by T.
Protein change: p.Asp104Val; replaces aspartic acid 104 with valine.
Molecular consequence: missense variant. On other transcripts: non-coding transcript variant (1).
Genome position (GRCh38, 1-based): chrX:149,503,419, T>A on the plus strand (A>T on the coding strand, the complement: IDS is on the minus strand). VCF-style: chrX-149503419-T-A. GRCh37 (hg19) VCF-style: chrX-148584949-T-A.
Other names: c.41A>T, p.Asp14Val (NM_001166550.4); c.311A>T, p.Asp104Val (NM_006123.5); short protein forms D104V, D14V.
Identifiers: ClinVar variation 3255662 (VCV003255662.2).
Genomic context (GRCh38, chrX:149,503,419, plus strand): 5'-TTGAAGTACTGGGGGATGGTGGAGAAGTTTCCAGCGTGCACCCTCCAGTAGGAGTTGAAG[T>A]CGTACAGGCGGGTGGTGTCAGGTCTCCTGCCAGTGAGGAAAGAAACGCGGCTCGGGGCGC-3'
Protein context (NP_000193.1, residues 94-114): GRRPDTTRLY[Asp104Val]FNSYWRVHAG